The following is an entry in ClinVar:

NM_003190.5(TAPBP):c.389G>A (p.Ser130Asn)

Gene: TAPBP (TAP binding protein; minus strand). Cytogenetic location: 6p21.32.
Variant type: single nucleotide variant.
Coding change: c.389G>A on transcript NM_003190.5 (MANE Select); coding-DNA position 389, G replaced by A.
Protein change: p.Ser130Asn; replaces serine 130 with asparagine.
Molecular consequence: missense variant. On other transcripts: intron variant (1).
Genome position (GRCh38, 1-based): chr6:33,313,297, C>T on the plus strand (G>A on the coding strand, the complement: TAPBP is on the minus strand). VCF-style: chr6-33313297-C-T. GRCh37 (hg19) VCF-style: chr6-33281074-C-T.
Other names: c.389G>A, p.Ser130Asn (NM_001410875.1, NM_172208.3); c.208+397G>A (NM_172209.3); short protein forms S130N.
Identifiers: ClinVar variation 4717478 (VCV004717478.1).

ClinVar aggregate classification (germline): Uncertain significance (1 of 4 stars; one submission).

Conditions:
MHC class I deficiency. Identifiers: Orphanet 34592, MedGen C6024714, MONDO:0011476.

gnomAD v4.1: 2 of 1,613,704 alleles (0.00012%); highest among the groups gnomAD compares: African/African-American, 0.0027%; no homozygotes.

Submission:

Labcorp Genetics (formerly Invitae), Labcorp
Classification: Uncertain significance for MHC class I deficiency 1. Last evaluated: 2025-04-13. Review status: criteria provided, single submitter. Criteria: Invitae Variant Classification Sherloc (09022015). Collection method: clinical testing. Allele origin: germline.
Comment: This sequence change replaces serine, which is neutral and polar, with asparagine, which is neutral and polar, at codon 130 of the TAPBP protein (p.Ser130Asn). This variant is present in population databases (no rsID available, gnomAD 0.0009%). This variant has not been reported in the literature in individuals affected with TAPBP-related conditions. An algorithm developed to predict the effect of missense changes on protein structure and function (PolyPhen-2) suggests that this variant is likely to be disruptive. In summary, the available evidence is currently insufficient to determine the role of this variant in disease. Therefore, it has been classified as a Variant of Uncertain Significance.